The following continues an entry in ClinVar:

NM_000152.5(GAA):c.-32-13T>G

Gene: GAA. ClinVar aggregate classification (germline): Pathogenic. Pathogenic (1).

Submissions 50 to 74 of 77:

Knight Diagnostic Laboratories, Oregon Health and Sciences University
Classification: Pathogenic for Glycogen storage disease, type II. Last evaluated: 2016-03-30. Review status: criteria provided, single submitter. Criteria: ACMG Guidelines, 2015. Collection method: clinical testing. Allele origin: germline. Affected: no. Study: CSER-NextGen. Not counted in ClinVar's aggregate classification.
Comment: c.-32-13T>G, an intronic variant, accounts for 36% - 90% of late-onset Pompe disease (GeneReviews: Leslie and Tinkle, update 2013). It has been reported in trans with a pathogenic variant and segregates with disease in multiple affected individuals in several families (Kroos et al. 2007). Functional studies have shown that this variant affect splicing and causes reduction in the enzyme activity (Boerkoel CF et al., 1995; Kroos et al. 200). A reputable clinical diagnostic laboratory (Emory Genetics Laboratory) has also classified this variant as pathogenic. Therefore, this collective evidence supports the classification of the c.-32-13T>G as a recessive Pathogenic variant for Glycogen storage storage disease type II.

Center for Pediatric Genomic Medicine, Children's Mercy Hospital and Clinics
Classification: Pathogenic. Last evaluated: 2015-04-06. Review status: criteria provided, single submitter. Criteria: ACMG Guidelines, 2015. Collection method: clinical testing. Allele origin: germline. Not counted in ClinVar's aggregate classification.

CENTOGENE GmbH and LLC - Guiding Precision Medicine
Classification: Pathogenic for Glycogen storage disease, type II. Review status: criteria provided, single submitter. Criteria: ACMG Guidelines, 2015. Collection method: clinical testing. Allele origin: germline. Affected: yes. Not counted in ClinVar's aggregate classification.

Juno Genomics, Hangzhou Juno Genomics, Inc
Classification: Pathogenic for Glycogen storage disease, type II. Review status: criteria provided, single submitter. Criteria: ACMG Guidelines, 2015. Collection method: clinical testing. Allele origin: germline. Not counted in ClinVar's aggregate classification.
Comment: For recessive disorders, detected in trans with a pathogenic variant.;Well-established in vitro or in vivo functional studies supportive of a damaging effect on the gene or gene product.

Kids Neuroscience Centre, Sydney Children's Hospitals Network
Classification: Pathogenic for Glycogen storage disease, type II. Review status: criteria provided, single submitter. Criteria: Bournazos AM et al. (Genet Med 2021). Collection method: clinical testing, provider interpretation. Allele origin: paternal, unknown. Inheritance: Autosomal recessive inheritance. Affected: yes and no. Observed: 2 heterozygotes. Not counted in ClinVar's aggregate classification.
Comment: Splicing abnormalities, predominantly exon-2 skipping, due to the c.-32-13T>G pathogenic variant were confirmed by RT-PCR.

UNC Molecular Genetics  Laboratory, University of North Carolina at Chapel Hill
Classification: Pathogenic for Glycogen storage disease, type II. Review status: criteria provided, single submitter. Criteria: ACMG Guidelines, 2015. Collection method: research. Allele origin: germline. Affected: no. Observed: 1 variant allele. Study: NSIGHT-NC NEXUS. Not counted in ClinVar's aggregate classification.
Comment: The GAA c.-32-13T>G variant was previously observed in Pompe disease (PMID: 16917947; 17210890; 27189384).

carrier finding

Genetic Services Laboratory, University of Chicago
Classification: Pathogenic for Glycogen storage disease, type II. Last evaluated: 2021-09-01. Review status: no assertion criteria provided. Collection method: clinical testing. Allele origin: germline. Affected: yes. Not counted in ClinVar's aggregate classification.
Comment: This sequence change is an intronic substitution in intron 1, c.-32-13T>G (also known as c.-45T>G). This sequence change has been reported in several individuals with adult-onset glycogen storage disease type II /Pompe disease in both homozygous and compound heterozygous states (PMID: 7881425, 24590251, 21439876, 22613277, 26231297, 24245577). Functional in vivo studies have shown that this sequence change abrogates the binding of the splicing factor U2AF65 to the polypyrimidine tract of exon 2 resulting in aberrant gene splicing (PMID: 24150945). This sequence change has also been termed as a 'leaky splice' variant, as it produces some percentage of the normal amount of messenger RNA which results in a proportional amount of structurally and functionally normal acid a-glucosidase (PMID: 22253258,17210890). This sequence change has been described in the gnomAD database with an overall population frequency of 0.3%. Based on these evidence, the c.-32-13T>G variant is classified as pathogenic.

Reproductive Health Research and Development, BGI Genomics
Classification: Pathogenic for Glycogen storage disease, type II. Last evaluated: 2020-01-06. Review status: no assertion criteria provided. Collection method: curation. Allele origin: germline. Not counted in ClinVar's aggregate classification.
Comment: NG_009822.1(NM_000152.3):c.-32-13T>G in the GAA gene has an allele frequency of 0.006 in Ashkenazi Jewish subpopulation in the gnomAD database. Functional studies demonstrate that this variant interferes with mRNA splicing of exon 1 of the GAA gene. Wen ey al reported 22 families with Pompe disease. All carried the most common mutation c.-32-13 T to G in combination with another pathogenic mutation (PMID: 24245577).The patient's phenotype is highly specific for GAA gene (PMID: 7881425; 2510307). Taken together, we interprete this variant as Pathogenic/Likely pathogenic. ACMG/AMP criteria applied: PS3; PS4; PP4.

Biochemical Molecular Genetic Laboratory, King Abdulaziz Medical City
Classification: Pathogenic for Glycogen storage disease, type II. Last evaluated: 2019-01-29. Review status: no assertion criteria provided. Collection method: clinical testing. Allele origin: germline. Affected: yes. Not counted in ClinVar's aggregate classification.

OMIM
Classification: Pathogenic for POMPE DISEASE, LATE-ONSET. Last evaluated: 2007-09-01. Review status: no assertion criteria provided. Collection method: literature only. Allele origin: germline. Not counted in ClinVar's aggregate classification.

OMIM
Classification: Pathogenic for POMPE DISEASE, INFANTILE-ONSET. Last evaluated: 2007-09-01. Review status: no assertion criteria provided. Collection method: literature only. Allele origin: germline. Not counted in ClinVar's aggregate classification.

Clinical Genetics DNA and cytogenetics Diagnostics Lab, Erasmus MC, Erasmus Medical Center
Classification: Pathogenic. Review status: no assertion criteria provided. Collection method: clinical testing. Allele origin: germline. Affected: yes. Study: VKGL Data-share Consensus. Not counted in ClinVar's aggregate classification.

Dr. Peter K. Rogan Lab, Western University
No classification provided (evidence only). Condition: Uterine corpus endometrial carcinoma. Review status: no classification provided. Collection method: in vitro. Allele origin: not applicable. Functional consequence: skipped exon, retained intron. Not counted in ClinVar's aggregate classification.

Dr. Peter K. Rogan Lab, Western University
No classification provided (evidence only). Condition: Cervical cancer. Review status: no classification provided. Collection method: in vitro. Allele origin: not applicable. Functional consequence: skipped exon, retained intron. Not counted in ClinVar's aggregate classification.

Dr. Peter K. Rogan Lab, Western University
No classification provided (evidence only). Condition: Cervical cancer. Review status: no classification provided. Collection method: in vitro. Allele origin: not applicable. Functional consequence: retained intron. Not counted in ClinVar's aggregate classification.

Dr. Peter K. Rogan Lab, Western University
No classification provided (evidence only). Condition: Sarcoma. Review status: no classification provided. Collection method: in vitro. Allele origin: not applicable. Functional consequence: skipped exon, retained intron. Not counted in ClinVar's aggregate classification.

Dr. Peter K. Rogan Lab, Western University
No classification provided (evidence only). Condition: Sarcoma. Review status: no classification provided. Collection method: in vitro. Allele origin: not applicable. Functional consequence: skipped exon. Not counted in ClinVar's aggregate classification.

Dr. Peter K. Rogan Lab, Western University
No classification provided (evidence only). Condition: Sarcoma. Review status: no classification provided. Collection method: in vitro. Allele origin: not applicable. Functional consequence: skipped exon, retained intron. Not counted in ClinVar's aggregate classification.

Dr. Peter K. Rogan Lab, Western University
No classification provided (evidence only). Condition: Sarcoma. Review status: no classification provided. Collection method: in vitro. Allele origin: not applicable. Functional consequence: skipped exon, retained intron. Not counted in ClinVar's aggregate classification.

Dr. Peter K. Rogan Lab, Western University
No classification provided (evidence only). Condition: Thymoma. Review status: no classification provided. Collection method: in vitro. Allele origin: not applicable. Functional consequence: retained intron. Not counted in ClinVar's aggregate classification.

Dr. Peter K. Rogan Lab, Western University
No classification provided (evidence only). Condition: Ovarian serous cystadenocarcinoma. Review status: no classification provided. Collection method: in vitro. Allele origin: not applicable. Functional consequence: retained intron. Not counted in ClinVar's aggregate classification.

Dr. Peter K. Rogan Lab, Western University
No classification provided (evidence only). Condition: Malignant tumor of esophagus. Review status: no classification provided. Collection method: in vitro. Allele origin: not applicable. Functional consequence: retained intron. Not counted in ClinVar's aggregate classification.

GeneReviews
No classification provided. Condition: Glycogen storage disease, type II. Review status: no classification provided. Collection method: literature only. Allele origin: germline. Not counted in ClinVar's aggregate classification.

Genome Diagnostics Laboratory, Amsterdam University Medical Center
Classification: Pathogenic. Review status: no assertion criteria provided. Collection method: clinical testing. Allele origin: germline. Affected: yes. Study: VKGL Data-share Consensus. Not counted in ClinVar's aggregate classification.

Genome Diagnostics Laboratory, University Medical Center Utrecht
Classification: Pathogenic. Review status: no assertion criteria provided. Collection method: clinical testing. Allele origin: germline. Affected: yes. Study: VKGL Data-share Consensus. Not counted in ClinVar's aggregate classification.